The following is an entry in ClinVar:

ClinVar aggregate classification (germline): not provided (0 of 4 stars; one submission).

gnomAD v4.1: 2 of 1,613,194 alleles (0.00012%); no homozygotes.

Submission:

ITMI
No classification provided. Condition: AllHighlyPenetrant. Last evaluated: 2013-09-19. Review status: no classification provided. Collection method: reference population. Allele origin: germline.
Comment: Please see associated publication for description of ethnicities

Literature cited by the submitters: PubMed 24728327.

NM_017617.5(NOTCH1):c.2247C>G (p.Asn749Lys)

Gene: NOTCH1 (notch receptor 1; minus strand). Cytogenetic location: 9q34.3.
Variant type: single nucleotide variant.
Coding change: c.2247C>G on transcript NM_017617.5 (MANE Select); coding-DNA position 2247, C replaced by G.
Protein change: p.Asn749Lys; replaces asparagine 749 with lysine.
Molecular consequence: missense variant.
Genome position (GRCh38, 1-based): chr9:136,513,498, G>C on the plus strand (C>G on the coding strand, the complement: NOTCH1 is on the minus strand). VCF-style: chr9-136513498-G-C. GRCh37 (hg19) VCF-style: chr9-139407950-G-C.
Other names: c.2247C>G, p.Asn749Lys (LRG_1122t1); short protein forms N749K.
Identifiers: ClinVar variation 134915 (VCV000134915.1), dbSNP rs587778560, ClinGen allele CA161157.